The following is an entry in ClinVar:

NM_016222.4(DDX41):c.164G>A (p.Arg55His)

Gene: DDX41 (DEAD-box helicase 41; minus strand). Cytogenetic location: 5q35.3.
Variant type: single nucleotide variant.
Coding change: c.164G>A on transcript NM_016222.4 (MANE Select); coding-DNA position 164, G replaced by A.
Protein change: p.Arg55His; replaces arginine 55 with histidine.
Molecular consequence: missense variant. On other transcripts: 5 prime UTR variant (2).
Genome position (GRCh38, 1-based): chr5:177,516,422, C>T on the plus strand (G>A on the coding strand, the complement: DDX41 is on the minus strand). VCF-style: chr5-177516422-C-T. GRCh37 (hg19) VCF-style: chr5-176943423-C-T.
Other names: c.-215G>A (NM_001321732.2, NM_001321830.2); short protein forms R55H.
Identifiers: ClinVar variation 2502510 (VCV002502510.1), dbSNP rs1479333618, ClinGen allele CA362377464.

ClinVar aggregate classification (germline): Uncertain significance (1 of 4 stars; one submission).

Submission:

GeneDx
Classification: Uncertain significance. Last evaluated: 2022-11-21. Review status: criteria provided, single submitter. Criteria: GeneDx Variant Classification Process June 2021. Collection method: clinical testing. Allele origin: germline. Affected: yes.
Comment: Not observed at significant frequency in large population cohorts (gnomAD); In silico analysis supports that this missense variant does not alter protein structure/function; Has not been previously published as pathogenic or benign to our knowledge